The following is an entry in ClinVar:

ClinVar aggregate classification (germline): Likely benign (0 of 4 stars; one submission).

Conditions:
TIMP2-related disorder. Also called: TIMP2-related condition.

Allele frequency attached by ClinVar (database versions not stated): gnomAD exomes 0.00004; ESP Exome Variant Server 0.00008; gnomAD 0.00010; ExAC 0.00011; TOPMed 0.00012.
gnomAD v4.1: 67 of 1,613,140 alleles (0.0042%); highest among the groups gnomAD compares: African/African-American, 0.027%; no homozygotes.

Submission:

PreventionGenetics, part of Exact Sciences
Classification: Likely benign for TIMP2-related condition. Last evaluated: 2019-09-06. Review status: no assertion criteria provided. Collection method: clinical testing. Allele origin: germline.
Comment: This variant is classified as likely benign based on ACMG/AMP sequence variant interpretation guidelines (Richards et al. 2015 PMID: 25741868, with internal and published modifications).

NM_003255.5(TIMP2):c.147G>A (p.Ala49=)

Gene: TIMP2 (TIMP metallopeptidase inhibitor 2; minus strand). Cytogenetic location: 17q25.3.
Variant type: single nucleotide variant.
Coding change: c.147G>A on transcript NM_003255.5 (MANE Select); coding-DNA position 147, G replaced by A.
Protein change: p.Ala49=; no amino-acid change (alanine 49 retained).
Molecular consequence: synonymous variant.
Genome position (GRCh38, 1-based): chr17:78,873,903, C>T on the plus strand (G>A on the coding strand, the complement: TIMP2 is on the minus strand). VCF-style: chr17-78873903-C-T. GRCh37 (hg19) VCF-style: chr17-76869985-C-T.
Identifiers: ClinVar variation 3040620 (VCV003040620.2), dbSNP rs146970059, ClinGen allele CA8807746.